The following is an entry in ClinVar:

NM_001042492.3(NF1):c.7739-2A>G

Gene: NF1 (neurofibromin 1; plus strand). Cytogenetic location: 17q11.2.
Variant type: single nucleotide variant.
Coding change: c.7739-2A>G on transcript NM_001042492.3 (MANE Select); the canonical splice acceptor site of the intron before coding-DNA position 7739, A replaced by G.
Molecular consequence: splice acceptor variant.
Genome position (GRCh38, 1-based): chr17:31,356,958, A>G. VCF-style: chr17-31356958-A-G. GRCh37 (hg19) VCF-style: chr17-29683976-A-G.
Other names: c.7676-2A>G (NM_000267.4).
Identifiers: ClinVar variation 1359018 (VCV001359018.8), dbSNP rs2151582146, ClinGen allele CA399018296.

ClinVar aggregate classification (germline): Pathogenic. Review status: criteria provided, multiple submitters, no conflicts (2 of 4 stars). 3 submissions from 3 submitters: Pathogenic (3). Last evaluated 2026-08-10.

Conditions:
Neurofibromatosis, type 1 (NF1). Also called: VON RECKLINGHAUSEN DISEASE; Peripheral type neurofibromatosis; NEUROFIBROMATOSIS, TYPE I, SOMATIC; Neurofibromatosis, type I. Identifiers: Orphanet 636, MedGen C0027831, MONDO:0018975, OMIM 162200. Disease mechanism: loss of function.

Submissions (3):

Myriad Genetics, Inc.
Classification: Pathogenic for Neurofibromatosis, type 1. Last evaluated: 2026-08-10. Review status: criteria provided, single submitter. Criteria: Myriad Autosomal Dominant, Autosomal Recessive and X-Linked Classification Criteria (2023). Collection method: clinical testing. Allele origin: unknown.
Comment: This variant is considered pathogenic. This variant occurs within a consensus splice junction and is predicted to result in abnormal mRNA splicing of either an out-of-frame exon or an in-frame exon necessary for protein stability and/or normal function. This variant has been reported in multiple individuals with clinical features of gene-specific disease [PMID: 10543400, 40169570, 32343738, 24789688, 31573083; Myriad internal data].

GeneDx
Classification: Pathogenic. Last evaluated: 2025-03-17. Review status: criteria provided, single submitter. Criteria: GeneDx Variant Classification Process June 2021. Collection method: clinical testing. Allele origin: germline. Affected: yes.
Comment: Canonical splice site variant predicted to result in a null allele in a gene for which loss of function is a known mechanism of disease; Published functional studies demonstrate a damaging effect: resulted in abnormal splicing (PMID: 10543400); Not observed at significant frequency in large population cohorts (gnomAD); Also known as IVS43-2A>G; This variant is associated with the following publications: (PMID: 25525159, 24789688, 16786508, 10712197, 23913538, 10543400)

Labcorp Genetics (formerly Invitae), Labcorp
Classification: Pathogenic for Neurofibromatosis, type 1. Last evaluated: 2023-07-26. Review status: criteria provided, single submitter. Criteria: Invitae Variant Classification Sherloc (09022015). Collection method: clinical testing. Allele origin: germline.
Comment: ClinVar contains an entry for this variant (Variation ID: 1359018). For these reasons, this variant has been classified as Pathogenic. Algorithms developed to predict the effect of sequence changes on RNA splicing suggest that this variant may disrupt the consensus splice site. This variant is also known as IVS 43-2A>G. Disruption of this splice site has been observed in individual(s) with neurofibromatosis type 1 (PMID: 10543400, 16786508). This variant is not present in population databases (gnomAD no frequency). This sequence change affects an acceptor splice site in intron 51 of the NF1 gene. It is expected to disrupt RNA splicing. Variants that disrupt the donor or acceptor splice site typically lead to a loss of protein function (PMID: 16199547), and loss-of-function variants in NF1 are known to be pathogenic (PMID: 10712197, 23913538).

Literature cited by the submitters: PubMed 10543400 (cited by Myriad Genetics, Inc. and Labcorp Genetics (formerly Invitae), Labcorp); PubMed 40169570 (cited by Myriad Genetics, Inc.); PubMed 32343738 (cited by Myriad Genetics, Inc.); PubMed 24789688 (cited by Myriad Genetics, Inc.); PubMed 31573083 (cited by Myriad Genetics, Inc.); PubMed 16786508 (cited by Labcorp Genetics (formerly Invitae), Labcorp); PubMed 16199547 (cited by Labcorp Genetics (formerly Invitae), Labcorp); PubMed 10712197 (cited by Labcorp Genetics (formerly Invitae), Labcorp); PubMed 23913538 (cited by Labcorp Genetics (formerly Invitae), Labcorp).